The following is an entry in ClinVar:

ClinVar aggregate classification (germline): Conflicting classifications of pathogenicity. Review status: criteria provided, conflicting classifications (1 of 4 stars). 3 submissions from 3 submitters: Uncertain significance (2); Likely benign (1). Last evaluated 2025-11-20.

Conditions:
Hereditary cancer-predisposing syndrome. Also called: Neoplastic Syndromes, Hereditary; Hereditary Cancer Syndrome; Tumor predisposition; Hereditary neoplastic syndrome. Identifiers: Orphanet 140162, MedGen C0027672, MeSH D009386, MONDO:0015356.
Ataxia-telangiectasia syndrome (AT). Also called: Ataxia-telangiectasia, complementation group D; AT, COMPLEMENTATION GROUP C; Ataxia-telangiectasia, complementation group E; Cerebello-oculocutaneous telangiectasia; Immunodeficiency with ataxia telangiectasia; ATAXIA-TELANGIECTASIA, COMPLEMENTATION GROUP A. Identifiers: Orphanet 100, MedGen C0004135, MONDO:0008840, OMIM 208900.

Submissions (3):

Ambry Genetics
Classification: Likely benign for Hereditary cancer-predisposing syndrome. Last evaluated: 2025-11-20. Review status: criteria provided, single submitter. Criteria: Ambry Variant Classification Scheme 2023. Collection method: clinical testing. Allele origin: germline.

Labcorp Genetics (formerly Invitae), Labcorp
Classification: Uncertain significance for Ataxia-telangiectasia syndrome. Last evaluated: 2024-01-17. Review status: criteria provided, single submitter. Criteria: Invitae Variant Classification Sherloc (09022015). Collection method: clinical testing. Allele origin: germline.
Comment: This sequence change replaces alanine, which is neutral and non-polar, with aspartic acid, which is acidic and polar, at codon 1359 of the ATM protein (p.Ala1359Asp). This variant is not present in population databases (gnomAD no frequency). This missense change has been observed in individual(s) with breast and/or ovarian cancer (PMID: 31159747). ClinVar contains an entry for this variant (Variation ID: 584489). An algorithm developed to predict the effect of missense changes on protein structure and function (PolyPhen-2) suggests that this variant is likely to be tolerated. In summary, the available evidence is currently insufficient to determine the role of this variant in disease. Therefore, it has been classified as a Variant of Uncertain Significance.

GeneKor MSA
Classification: Uncertain significance for Hereditary cancer-predisposing syndrome. Last evaluated: 2018-08-01. Review status: criteria provided, single submitter. Criteria: ACMG Guidelines, 2015. Collection method: clinical testing. Allele origin: germline. Affected: yes.

Literature cited by the submitters: PubMed 40580951 (cited by Ambry Genetics); PubMed 31159747 (cited by Labcorp Genetics (formerly Invitae), Labcorp).

NM_000051.4(ATM):c.4076C>A (p.Ala1359Asp)

Gene: ATM (ATM serine/threonine kinase; plus strand). Cytogenetic location: 11q22.3.
Variant type: single nucleotide variant.
Coding change: c.4076C>A on transcript NM_000051.4 (MANE Select); coding-DNA position 4076, C replaced by A.
Protein change: p.Ala1359Asp; replaces alanine 1359 with aspartic acid.
Molecular consequence: missense variant.
Genome position (GRCh38, 1-based): chr11:108,287,682, C>A. VCF-style: chr11-108287682-C-A. GRCh37 (hg19) VCF-style: chr11-108158409-C-A.
Other names: c.4076C>A, p.Ala1359Asp (NM_001351834.2); short protein forms A1359D.
Identifiers: ClinVar variation 584489 (VCV000584489.7), dbSNP rs1565452823, ClinGen allele CA382528267.